The following is an entry in ClinVar:

NM_012208.4(HARS2):c.*15C>T

Gene: HARS2 (histidyl-tRNA synthetase 2, mitochondrial; plus strand). Cytogenetic location: 5q31.3.
Variant type: single nucleotide variant.
Coding change: c.*15C>T on transcript NM_012208.4 (MANE Select); 15 bases downstream of the stop codon, C replaced by T.
Molecular consequence: 3 prime UTR variant.
Genome position (GRCh38, 1-based): chr5:140,698,567, C>T. VCF-style: chr5-140698567-C-T. GRCh37 (hg19) VCF-style: chr5-140078152-C-T.
Other names: c.*15C>T (NM_001278731.2, NM_001278732.2, NM_001363535.2 and 1 more transcripts).
Identifiers: ClinVar variation 390418 (VCV000390418.1), dbSNP rs1057523763, ClinGen allele CA16604817.

ClinVar aggregate classification (germline): Likely benign (1 of 4 stars; one submission).

Allele frequency attached by ClinVar (database versions not stated): gnomAD 0.00001; gnomAD exomes 0.00001.

Submission:

GeneDx
Classification: Likely benign. Last evaluated: 2016-11-16. Review status: criteria provided, single submitter. Criteria: GeneDx Variant Classification (06012015). Collection method: clinical testing. Allele origin: germline. Affected: yes.
Comment: This variant is considered likely benign or benign based on one or more of the following criteria: it is a conservative change, it occurs at a poorly conserved position in the protein, it is predicted to be benign by multiple in silico algorithms, and/or has population frequency not consistent with disease.